The following is an entry in ClinVar:

NM_020442.6(VARS2):c.574-9C>T

Gene: VARS2 (valyl-tRNA synthetase 2, mitochondrial; plus strand). Cytogenetic location: 6p21.33.
Variant type: single nucleotide variant.
Coding change: c.574-9C>T on transcript NM_020442.6 (MANE Select); 9 bases into the intron before coding-DNA position 574, C replaced by T.
Molecular consequence: intron variant.
Genome position (GRCh38, 1-based): chr6:30,916,143, C>T. VCF-style: chr6-30916143-C-T. GRCh37 (hg19) VCF-style: chr6-30883920-C-T.
Other names: c.664-9C>T (NM_001167734.2); c.154-9C>T (NM_001167733.3).
Identifiers: ClinVar variation 380151 (VCV000380151.16), dbSNP rs1264299, ClinGen allele CA3705657.
Genomic context (GRCh38, chr6:30,916,143, plus strand): 5'-AAAGCAATTTCTTCCCCCAAAGCAACCAAGCAACCTGACTCTGTTCATTTGCCCTGAATC[C>T]AACTGCAGGCTGTGGTGGAGAAACAACTGTGGAAGGAACGGGGAGTGAGGAGACATGAGC-3'

ClinVar aggregate classification (germline): Benign. Review status: criteria provided, multiple submitters, no conflicts (2 of 4 stars). 5 submissions from 5 submitters: Benign (4). 1 of the submissions does not count toward it. Last evaluated 2026-02-02.

Allele frequency attached by ClinVar (database versions not stated): 1000 Genomes Project 30x 0.22064; 1000 Genomes Project 0.22204; TOPMed 0.26286; gnomAD 0.27863 and 0.27956; ESP Exome Variant Server 0.29302; gnomAD exomes 0.31614 and 0.34060; ExAC 0.32031.
gnomAD v4.1: 538,506 of 1,613,424 alleles (33%); highest among the groups gnomAD compares: Non-Finnish European, 36%; 93,551 homozygotes.

Submissions (5):

Labcorp Genetics (formerly Invitae), Labcorp
Classification: Benign. Last evaluated: 2026-02-02. Review status: criteria provided, single submitter. Criteria: Invitae Variant Classification Sherloc (09022015). Collection method: clinical testing. Allele origin: germline.

Blueprint Genetics
Classification: Benign. Last evaluated: 2024-11-27. Review status: criteria provided, single submitter. Criteria: ACMG Guidelines, 2015. Collection method: clinical testing. Allele origin: germline.

Unidad de Genómica Garrahan, Hospital de Pediatría Garrahan
Classification: Benign. Last evaluated: 2024-07-31. Review status: criteria provided, single submitter. Criteria: ACMG Guidelines, 2015. Collection method: clinical testing. Allele origin: germline. Affected: no. Observed: 46 variant alleles.
Comment: This variant is classified as Benign based on local population frequency. This variant was detected in 49% of patients studied in a panel designed for Epileptic and Developmental Encephalopathy, Progressive Myoclonus Epilepsy and Abnormal Movements and Neurodegeneration with brain iron accumulation. Number of patients: 46. Only high quality variants are reported.

GeneDx
Classification: Benign. Last evaluated: 2015-12-16. Review status: criteria provided, single submitter. Criteria: GeneDx Variant Classification (06012015). Collection method: clinical testing. Allele origin: germline. Affected: yes.
Comment: This variant is considered likely benign or benign based on one or more of the following criteria: it is a conservative change, it occurs at a poorly conserved position in the protein, it is predicted to be benign by multiple in silico algorithms, and/or has population frequency not consistent with disease.

Mayo Clinic Laboratories, Mayo Clinic
Classification: Benign. Last evaluated: 2016-02-19. Review status: no assertion criteria provided. Collection method: clinical testing. Allele origin: unknown. Not counted in ClinVar's aggregate classification.